The following is an entry in ClinVar:

NM_001278716.2(FBXL4):c.1698A>G (p.Ile566Met)

Gene: FBXL4 (F-box and leucine rich repeat protein 4; minus strand). Cytogenetic location: 6q16.1.
Variant type: single nucleotide variant.
Coding change: c.1698A>G on transcript NM_001278716.2 (MANE Select); coding-DNA position 1698, A replaced by G.
Protein change: p.Ile566Met; replaces isoleucine 566 with methionine.
Molecular consequence: missense variant. On other transcripts: non-coding transcript variant (1).
Genome position (GRCh38, 1-based): chr6:98,875,419, T>C on the plus strand (A>G on the coding strand, the complement: FBXL4 is on the minus strand). VCF-style: chr6-98875419-T-C. GRCh37 (hg19) VCF-style: chr6-99323295-T-C.
Other names: c.1698A>G, p.Ile566Met (NM_012160.5); short protein forms I566M.
Identifiers: ClinVar variation 437483 (VCV000437483.3), dbSNP rs1554215959, ClinGen allele CA16020683.

ClinVar aggregate classification (germline): Pathogenic/Likely pathogenic. Review status: criteria provided, multiple submitters, no conflicts (2 of 4 stars). 3 submissions from 3 submitters: Pathogenic (1); Likely pathogenic (2). Last evaluated 2024-03-14.

Conditions:
Mitochondrial DNA depletion syndrome 13. Also called: FBXL4-Related Encephalomyopathic Mitochondrial DNA Depletion Syndrome; Mitochondrial DNA depletion syndrome 13 (encephalomyopathic type). Identifiers: Orphanet 369897, MedGen C3809592, MONDO:0014198, OMIM 615471.

Allele frequency attached by ClinVar (database versions not stated): TOPMed below 0.00001.

Submissions (3):

Genomic Medicine Center of Excellence, King Faisal Specialist Hospital and Research Centre
Classification: Likely pathogenic for Mitochondrial DNA depletion syndrome 13 (encephalomyopathic type). Last evaluated: 2024-03-14. Review status: criteria provided, single submitter. Criteria: ACMG Guidelines, 2015. Collection method: clinical testing. Allele origin: germline.

Baylor Genetics
Classification: Pathogenic for Mitochondrial DNA depletion syndrome 13. Last evaluated: 2019-12-26. Review status: criteria provided, single submitter. Criteria: ACMG Guidelines, 2015. Collection method: clinical testing. Allele origin: unknown. Affected: yes.
Comment: This variant was determined to be pathogenic according to ACMG Guidelines, 2015 [PMID:25741868].

Wong Mito Lab, Molecular and Human Genetics, Baylor College of Medicine
Classification: Likely pathogenic for Mitochondrial DNA depletion syndrome 13. Last evaluated: 2017-08-10. Review status: criteria provided, single submitter. Criteria: ACMG Guidelines, 2015. Collection method: clinical testing. Allele origin: germline. Affected: yes.
Comment: The NM_012160.4:c.1698A>G (NP_036292.2:p.Ile566Met) [GRCH38: NC_000006.12:g.98875419T>C] variant in FBXL4 gene is interpretated to be a Likely Pathogenic based on ACMG guidelines (PMID: 25741868). This variant meets one or more of the following evidence codes reported in the ACMG-guideline. PS4:Prevalence of variant in affecteds statistically increased over controls. PM2:This variant is absent in key population databases. PP1:This variant is co-segregated with Mitochondrial DNA depletion syndrome 13 in multiple affected family members. PP2:This is a missense variant in FBXL4 with a low rate of benign and high rate of pathogenic missense variations. PP4:Patientâ€™s phenotype or family history is highly specific for FBXL4. Based on this evidence code ClinGen Pathogenicity Calculator (PMID:28081714) suggested that the variant is Likely Pathogenic.